The following is an entry in ClinVar:

ClinVar aggregate classification (germline): Uncertain significance (1 of 4 stars; one submission).

Allele frequency attached by ClinVar (database versions not stated): 1000 Genomes Project 30x 0.00016.
gnomAD v4.1: 31 of 1,613,262 alleles (0.0019%); highest among the groups gnomAD compares: Admixed American, 0.0067%; no homozygotes.

Submission:

Labcorp Genetics (formerly Invitae), Labcorp
Classification: Uncertain significance. Last evaluated: 2022-06-28. Review status: criteria provided, single submitter. Criteria: Invitae Variant Classification Sherloc (09022015). Collection method: clinical testing. Allele origin: germline.
Comment: This sequence change replaces proline, which is neutral and non-polar, with threonine, which is neutral and polar, at codon 381 of the ADAMTSL4 protein (p.Pro381Thr). This variant is present in population databases (rs151226442, gnomAD 0.009%). This variant has not been reported in the literature in individuals affected with ADAMTSL4-related conditions. Algorithms developed to predict the effect of missense changes on protein structure and function are either unavailable or do not agree on the potential impact of this missense change (SIFT: "Deleterious"; PolyPhen-2: "Benign"; Align-GVGD: "Class C0"). In summary, the available evidence is currently insufficient to determine the role of this variant in disease. Therefore, it has been classified as a Variant of Uncertain Significance.

NM_019032.6(ADAMTSL4):c.1141C>A (p.Pro381Thr)

Genes: ADAMTSL4 (ADAMTS like 4; plus strand), ADAMTSL4-AS2 (ADAMTSL4 antisense RNA 2; minus strand). Cytogenetic location: 1q21.2.
Variant type: single nucleotide variant.
Coding change: c.1141C>A on transcript NM_019032.6 (MANE Select); coding-DNA position 1141, C replaced by A.
Protein change: p.Pro381Thr; replaces proline 381 with threonine.
Molecular consequence: missense variant.
Genome position (GRCh38, 1-based): chr1:150,554,374, C>A. VCF-style: chr1-150554374-C-A. GRCh37 (hg19) VCF-style: chr1-150526850-C-A.
Other names: c.1141C>A, p.Pro381Thr (NM_001288607.2, NM_001288608.2, NM_001378596.1 and 1 more transcripts); short protein forms P381T.
Identifiers: ClinVar variation 2070301 (VCV002070301.1), dbSNP rs151226442, ClinGen allele CA1078149.